The following is an entry in ClinVar:

NM_000117.3(EMD):c.465C>T (p.Tyr155=)

Gene: EMD (emerin; plus strand). Cytogenetic location: Xq28.
Variant type: single nucleotide variant.
Coding change: c.465C>T on transcript NM_000117.3 (MANE Select); coding-DNA position 465, C replaced by T.
Protein change: p.Tyr155=; no amino-acid change (tyrosine 155 retained).
Molecular consequence: synonymous variant.
Genome position (GRCh38, 1-based): chrX:154,380,897, C>T. VCF-style: chrX-154380897-C-T. GRCh37 (hg19) VCF-style: chrX-153609257-C-T.
Other names: p.Y155Y:TAC>TAT; p.Tyr155=.
Identifiers: ClinVar variation 42274 (VCV000042274.33), dbSNP rs143447675, ClinGen allele CA131124.

ClinVar aggregate classification (germline): Benign/Likely benign. Review status: criteria provided, multiple submitters, no conflicts (2 of 4 stars). 15 submissions from 15 submitters: Benign (11); Likely benign (1). 3 of the submissions do not count toward it. Last evaluated 2026-02-03.

Conditions:
Emery-Dreifuss muscular dystrophy 1, X-linked (EDMD1). Also called: Muscular dystrophy, tardive, Dreifuss-Emery type, with contractures; SCAPULOPERONEAL SYNDROME, X-LINKED; HUMEROPERONEAL NEUROMUSCULAR DISEASE; EMD-Related Emery-Dreifuss Muscular Dystrophy, X-Linked. Identifiers: MedGen CN375556, MONDO:0100531, OMIM 310300.
Cardiomyopathy (CMYO). Also called: Cardiomyopathies. Identifiers: Orphanet 167848, MedGen C0878544, MONDO:0004994, HP:0001638. Inheritance: Various modes of inheritance.
X-linked Emery-Dreifuss muscular dystrophy. Also called: Muscular dystrophy, tardive Emery-Dreifuss type, with contractures. Identifiers: Orphanet 261, Orphanet 98863, MedGen C0751337, MONDO:0010680.

Allele frequency attached by ClinVar (database versions not stated): gnomAD exomes 0.00039 and 0.00112; ExAC 0.00128; 1000 Genomes Project 30x 0.00354; 1000 Genomes Project 0.00371; gnomAD 0.00375 and 0.00404; TOPMed 0.00484; ESP Exome Variant Server 0.00511.
gnomAD v4.1: 873 of 1,210,507 alleles (0.072%); highest among the groups gnomAD compares: African/African-American, 1.2%; 3 homozygotes.

Submissions (15):

Labcorp Genetics (formerly Invitae), Labcorp
Classification: Benign for X-linked Emery-Dreifuss muscular dystrophy. Last evaluated: 2026-02-03. Review status: criteria provided, single submitter. Criteria: Invitae Variant Classification Sherloc (09022015). Collection method: clinical testing. Allele origin: germline.

ARUP Laboratories, Molecular Genetics and Genomics, ARUP Laboratories
Classification: Benign for Emery-Dreifuss muscular dystrophy 1, X-linked. Last evaluated: 2025-07-01. Review status: criteria provided, single submitter. Criteria: ARUP Molecular Germline Variant Investigation Process 2024. Collection method: clinical testing. Allele origin: germline.

Molecular Diagnostic Laboratory for Inherited Cardiovascular Disease, Montreal Heart Institute
Classification: Benign. Last evaluated: 2025-04-09. Review status: criteria provided, single submitter. Criteria: ACMG Guidelines, 2015. Collection method: clinical testing. Allele origin: germline. Affected: no.

Blueprint Genetics
Classification: Likely benign. Last evaluated: 2024-11-28. Review status: criteria provided, single submitter. Criteria: ACMG Guidelines, 2015. Collection method: clinical testing. Allele origin: germline.

Athena Diagnostics
Classification: Benign. Last evaluated: 2024-10-17. Review status: criteria provided, single submitter. Criteria: Athena Diagnostics Criteria. Collection method: clinical testing. Allele origin: unknown.

Mayo Clinic Laboratories, Mayo Clinic
Classification: Benign. Last evaluated: 2024-07-25. Review status: criteria provided, single submitter. Criteria: ACMG Guidelines, 2015. Collection method: clinical testing. Allele origin: germline. Observed: 5 variant alleles.
Comment: BS1, BS2, BP4, BP7

Women's Health and Genetics/Laboratory Corporation of America, LabCorp
Classification: Benign. Last evaluated: 2018-07-09. Review status: criteria provided, single submitter. Criteria: LabCorp Variant Classification Summary - May 2015. Collection method: clinical testing. Allele origin: germline.
Comment: Variant summary: EMD c.465C>T alters a non-conserved nucleotide resulting in a synonymous change. 5/5 computational tools predict no significant impact on normal splicing. However, these predictions have yet to be confirmed by functional studies. The variant allele was found at a frequency of 0.0013 in 87334 control chromosomes, including 69 hemizygotes (gnomAD). To our knowledge, no occurrence of c.465C>T in individuals affected with Cardiomyopathy and no experimental evidence demonstrating its impact on protein function have been reported. Three clinical diagnostic laboratories have submitted clinical-significance assessments for this variant to ClinVar after 2014 without evidence for independent evaluation. All laboratories classified the variant as benign. Based on the evidence outlined above, the variant was classified as benign.

Eurofins Ntd Llc (ga)
Classification: Benign. Last evaluated: 2016-01-26. Review status: criteria provided, single submitter. Criteria: EGL Classification Definitions 2015. Collection method: clinical testing. Allele origin: germline. Observed: 2 variant alleles, 1 heterozygote, 1 hemizygote.

CHEO Genetics Diagnostic Laboratory, Children's Hospital of Eastern Ontario
Classification: Benign for Cardiomyopathy. Last evaluated: 2015-12-02. Review status: criteria provided, single submitter. Criteria: ACMG Guidelines, 2015. Collection method: clinical testing. Allele origin: germline. Study: Canadian Open Genetics Repository.

GeneDx
Classification: Benign. Last evaluated: 2014-03-19. Review status: criteria provided, single submitter. Criteria: GeneDx Variant Classification (06012015). Collection method: clinical testing. Allele origin: germline. Affected: yes.
Comment: This variant is considered likely benign or benign based on one or more of the following criteria: it is a conservative change, it occurs at a poorly conserved position in the protein, it is predicted to be benign by multiple in silico algorithms, and/or has population frequency not consistent with disease.

Laboratory for Molecular Medicine, Mass General Brigham Personalized Medicine
Classification: Benign. Last evaluated: 2012-11-21. Review status: criteria provided, single submitter. Criteria: LMM Criteria. Collection method: clinical testing. Allele origin: germline. Observed: 7 variant alleles.
Comment: Tyr155Tyr in exon 06 of EMD: This variant is not expected to have clinical signi ficance because it does not alter an amino acid residue and is not located withi n the splice consensus sequence. It has been identified in 1.4% (54/3835) of Afr ican American chromosomes from a broad population by the NHLBI Exome Sequencing Project (rs143447675).

Breakthrough Genomics
Classification: Benign. Review status: criteria provided, single submitter. Criteria: ACMG Guidelines, 2015. Collection method: not provided. Allele origin: germline. Inheritance: X-linked inheritance. Affected: yes.

Clinical Genetics DNA and cytogenetics Diagnostics Lab, Erasmus MC, Erasmus Medical Center
Classification: Benign. Review status: no assertion criteria provided. Collection method: clinical testing. Allele origin: germline. Affected: yes. Study: VKGL Data-share Consensus. Not counted in ClinVar's aggregate classification.

Clinical Genetics, Academic Medical Center
Classification: Benign. Review status: no assertion criteria provided. Collection method: clinical testing. Allele origin: germline. Affected: yes. Study: VKGL Data-share Consensus. Not counted in ClinVar's aggregate classification.

Joint Genome Diagnostic Labs from Nijmegen and Maastricht, Radboudumc and MUMC+
Classification: Benign. Review status: no assertion criteria provided. Collection method: clinical testing. Allele origin: germline. Affected: yes. Study: VKGL Data-share Consensus. Not counted in ClinVar's aggregate classification.